The following is an entry in ClinVar:

ClinVar aggregate classification (germline): Likely benign (1 of 4 stars; one submission).

Submission:

CeGaT Center for Human Genetics Tuebingen
Classification: Likely benign. Last evaluated: 2026-08-01. Review status: criteria provided, single submitter. Criteria: CeGaT Center For Human Genetics Tuebingen Variant Classification Criteria Version 2. Collection method: clinical testing. Allele origin: germline. Affected: yes. Observed: 1 variant allele.
Comment: HLA-DRB1: BP4

NM_002124.4(HLA-DRB1):c.370+6_370+7del

Gene: HLA-DRB1 (major histocompatibility complex, class II, DR beta 1; minus strand). Cytogenetic location: 6p21.32.
Variant type: Deletion.
Coding change: c.370+6_370+7del on transcript NM_002124.4 (MANE Select); bases 6 to 7 of the intron after coding-DNA position 370, 2 bases deleted (CA; older notation c.370+6_370+7delCA).
Molecular consequence: intron variant.
Genome position (GRCh38, 1-based): chr6:32,584,102-32,584,103, TG deleted on the plus strand (CA on the coding strand, the reverse complement: HLA-DRB1 is on the minus strand). VCF-style (leftmost placement, unchanged base first): chr6-32584101-ATG-A. GRCh37 (hg19) VCF-style: chr6-32551878-ATG-A.
Identifiers: ClinVar variation 5039044 (VCV005039044.1).